The following is an entry in ClinVar:

NM_133368.3(RSPRY1):c.860G>A (p.Arg287His)

Gene: RSPRY1 (ring finger and SPRY domain containing 1; plus strand). Cytogenetic location: 16q13.
Variant type: single nucleotide variant.
Coding change: c.860G>A on transcript NM_133368.3 (MANE Select); coding-DNA position 860, G replaced by A.
Protein change: p.Arg287His; replaces arginine 287 with histidine.
Molecular consequence: missense variant.
Genome position (GRCh38, 1-based): chr16:57,216,994, G>A. VCF-style: chr16-57216994-G-A. GRCh37 (hg19) VCF-style: chr16-57250906-G-A.
Other names: c.860G>A (NM_133368.1); c.860G>A, p.Arg287His (NM_001305163.2, NM_001305164.2); short protein forms R287H.
Identifiers: ClinVar variation 2170557 (VCV002170557.3), dbSNP rs760353400, ClinGen allele CA8074584.

ClinVar aggregate classification (germline): Uncertain significance. Review status: criteria provided, multiple submitters, no conflicts (2 of 4 stars). 2 submissions from 2 submitters: Uncertain significance (2). Last evaluated 2025-11-15.

Conditions:
Inborn genetic diseases. Identifiers: MedGen C0950123, MeSH D030342.

Allele frequency attached by ClinVar (database versions not stated): gnomAD 0.00001; TOPMed 0.00001; ExAC 0.00002; gnomAD exomes 0.00002.

Submissions (2):

Labcorp Genetics (formerly Invitae), Labcorp
Classification: Uncertain significance. Last evaluated: 2025-11-15. Review status: criteria provided, single submitter. Criteria: Invitae Variant Classification Sherloc (09022015). Collection method: clinical testing. Allele origin: germline.
Comment: This sequence change replaces arginine, which is basic and polar, with histidine, which is basic and polar, at codon 287 of the RSPRY1 protein (p.Arg287His). This variant is present in population databases (rs760353400, gnomAD 0.05%). This variant has not been reported in the literature in individuals affected with RSPRY1-related conditions. ClinVar contains an entry for this variant (Variation ID: 2170557). Invitae Evidence Modeling of protein sequence and biophysical properties (such as structural, functional, and spatial information, amino acid conservation, physicochemical variation, residue mobility, and thermodynamic stability) indicates that this missense variant is not expected to disrupt RSPRY1 protein function with a negative predictive value of 80%. In summary, the available evidence is currently insufficient to determine the role of this variant in disease. Therefore, it has been classified as a Variant of Uncertain Significance.

Ambry Genetics
Classification: Uncertain significance for Inborn genetic diseases. Last evaluated: 2025-02-27. Review status: criteria provided, single submitter. Criteria: Ambry Variant Classification Scheme 2023. Collection method: clinical testing. Allele origin: germline.